The following is an entry in ClinVar:

ClinVar aggregate classification (germline): Uncertain significance (1 of 4 stars; one submission).

Conditions:
Dilated cardiomyopathy 1O (CMD1O). Also called: CARDIOMYOPATHY, DILATED, WITH VENTRICULAR TACHYCARDIA. Identifiers: Orphanet 154, MedGen C1837839, MONDO:0012062, OMIM 608569.

Allele frequency attached by ClinVar (database versions not stated): gnomAD exomes below 0.00001; ExAC 0.00001; gnomAD 0.00001.
gnomAD v4.1: 2 of 1,612,944 alleles (0.00012%); highest among the groups gnomAD compares: African/African-American, 0.0013%; no homozygotes.

Submission:

Labcorp Genetics (formerly Invitae), Labcorp
Classification: Uncertain significance for Dilated cardiomyopathy 1O. Last evaluated: 2024-12-05. Review status: criteria provided, single submitter. Criteria: Invitae Variant Classification Sherloc (09022015). Collection method: clinical testing. Allele origin: germline.
Comment: This sequence change replaces threonine, which is neutral and polar, with asparagine, which is neutral and polar, at codon 701 of the ABCC9 protein (p.Thr701Asn). This variant is present in population databases (rs763289280, gnomAD 0.004%). This variant has not been reported in the literature in individuals affected with ABCC9-related conditions. ClinVar contains an entry for this variant (Variation ID: 1359070). Invitae Evidence Modeling of protein sequence and biophysical properties (such as structural, functional, and spatial information, amino acid conservation, physicochemical variation, residue mobility, and thermodynamic stability) indicates that this missense variant is expected to disrupt ABCC9 protein function with a positive predictive value of 95%. In summary, the available evidence is currently insufficient to determine the role of this variant in disease. Therefore, it has been classified as a Variant of Uncertain Significance.

NM_020297.4(ABCC9):c.2102C>A (p.Thr701Asn)

Gene: ABCC9 (ATP binding cassette subfamily C member 9; minus strand). Cytogenetic location: 12p12.1.
Variant type: single nucleotide variant.
Coding change: c.2102C>A on transcript NM_020297.4 (MANE Select); coding-DNA position 2102, C replaced by A.
Protein change: p.Thr701Asn; replaces threonine 701 with asparagine.
Molecular consequence: missense variant.
Genome position (GRCh38, 1-based): chr12:21,872,721, G>T on the plus strand (C>A on the coding strand, the complement: ABCC9 is on the minus strand). VCF-style: chr12-21872721-G-T. GRCh37 (hg19) VCF-style: chr12-22025655-G-T.
Other names: c.2102C>A, p.Thr701Asn (NM_001377273.1, NM_005691.4); c.1238C>A, p.Thr413Asn (NM_001377274.1); short protein forms T413N, T701N.
Identifiers: ClinVar variation 1359070 (VCV001359070.8), dbSNP rs763289280, ClinGen allele CA6481487.